The following is an entry in ClinVar:

ClinVar aggregate classification (germline): Pathogenic. Review status: criteria provided, multiple submitters, no conflicts (2 of 4 stars). 4 submissions from 4 submitters: Pathogenic (4). Last evaluated 2026-03-09.

Conditions:
Hereditary cancer-predisposing syndrome. Also called: Tumor predisposition; Hereditary Cancer Syndrome; Neoplastic Syndromes, Hereditary; Hereditary neoplastic syndrome. Identifiers: Orphanet 140162, MedGen C0027672, MeSH D009386, MONDO:0015356.
Birt-Hogg-Dube syndrome. Also called: Birt Hogg Dubé syndrome. Identifiers: Orphanet 122, MedGen C0346010, MONDO:0800444.

Submissions (4):

Ambry Genetics
Classification: Pathogenic for Hereditary cancer-predisposing syndrome. Last evaluated: 2026-03-09. Review status: criteria provided, single submitter. Criteria: Ambry Variant Classification Scheme 2023. Collection method: clinical testing. Allele origin: germline.
Comment: The p.E434* pathogenic mutation (also known as c.1300G>T), located in coding exon 8 of the FLCN gene, results from a G to T substitution at nucleotide position 1300. This changes the amino acid from a glutamic acid to a stop codon within coding exon 8. This mutation was reported in an FLCN database in a patient with Birt-Hogg-Dub&eacute; syndrome (Lim DH et al. Hum. Mutat. 2010 Jan;31(1):E1043-51).This variant is considered to be rare based on population cohorts in the Genome Aggregation Database (gnomAD). In addition to the clinical data presented in the literature, this alteration is expected to result in loss of function by premature protein truncation or nonsense-mediated mRNA decay. As such, this alteration is interpreted as a disease-causing mutation.

Labcorp Genetics (formerly Invitae), Labcorp
Classification: Pathogenic for Birt-Hogg-Dube syndrome. Last evaluated: 2025-10-09. Review status: criteria provided, single submitter. Criteria: Invitae Variant Classification Sherloc (09022015). Collection method: clinical testing. Allele origin: germline.
Comment: This sequence change creates a premature translational stop signal (p.Glu434*) in the FLCN gene. It is expected to result in an absent or disrupted protein product. Loss-of-function variants in FLCN are known to be pathogenic (PMID: 15852235). This variant is not present in population databases (gnomAD no frequency). This premature translational stop signal has been observed in individual(s) with Birt-Hogg-Dubé syndrome (PMID: 19802896). ClinVar contains an entry for this variant (Variation ID: 488811). Algorithms developed to predict the effect of sequence changes on RNA splicing suggest that this variant may disrupt the consensus splice site. For these reasons, this variant has been classified as Pathogenic.

Mayo Clinic Laboratories, Mayo Clinic
Classification: Pathogenic. Last evaluated: 2025-09-09. Review status: criteria provided, single submitter. Criteria: ACMG Guidelines, 2015. Collection method: clinical testing. Allele origin: germline. Observed: 1 variant allele.
Comment: PM2_supporting, PM5_strong, PS4, PVS1

GeneDx
Classification: Pathogenic. Last evaluated: 2018-09-05. Review status: criteria provided, single submitter. Criteria: GeneDx Variant Classification (06012015). Collection method: clinical testing. Allele origin: germline. Affected: yes.
Comment: The E434X variant creates a nonsense variant, which changes a Glutamic Acid to a premature stop codon (GAG>TAG). This variant has been reported in at least one individual with Birt-Hogg-Dube syndrome (Lim et al., 2010). Of note, this variant is located in the last nucleotide of exon 11, and multiple splicing models predict it may damage or destroy the nearby splice donor site. While functional analysis of this variant has not been performed, RT-PCR analysis of c.1300G>C (p.Glu434Gln) impacting the same nucleotide position showed skipping of exon 11 and has been reported in multiple individuals with Birt-Hogg-Dube syndrome (van Steensel et al., 2007; Toro et al., 2008). In the absence of RNA studies, the actual molecular effect of c.1300G>T is unknown; however, the effects at both the transcript and protein levels are predicted to cause loss of normal protein function through either protein truncation or nonsense-mediated mRNA decay. We therefore consider this variant to be pathogenic.

Literature cited by the submitters: PubMed 19802896 (cited by 3 submitters); PubMed 15852235 (cited by Labcorp Genetics (formerly Invitae), Labcorp and Mayo Clinic Laboratories, Mayo Clinic); PubMed 17124507 (cited by Mayo Clinic Laboratories, Mayo Clinic); PubMed 18234728 (cited by Mayo Clinic Laboratories, Mayo Clinic); PubMed 40253282 (cited by Mayo Clinic Laboratories, Mayo Clinic).

NM_144997.7(FLCN):c.1300G>T (p.Glu434Ter)

Gene: FLCN (folliculin; minus strand). Cytogenetic location: 17p11.2.
Variant type: single nucleotide variant.
Coding change: c.1300G>T on transcript NM_144997.7 (MANE Select); coding-DNA position 1300, G replaced by T.
Protein change: p.Glu434Ter; replaces glutamic acid 434 with a stop codon.
Molecular consequence: nonsense.
Genome position (GRCh38, 1-based): chr17:17,216,380, C>A on the plus strand (G>T on the coding strand, the complement: FLCN is on the minus strand). VCF-style: chr17-17216380-C-A. GRCh37 (hg19) VCF-style: chr17-17119694-C-A.
Other names: p.Glu434*; c.1354G>T, p.Glu452Ter (NM_001353229.2); c.1300G>T, p.Glu434Ter (NM_001353230.2, NM_001353231.2); c.1300G>T (LRG_325t1); short protein forms E434*, E452*.
Identifiers: ClinVar variation 488811 (VCV000488811.12), dbSNP rs1266098984, ClinGen allele CA398531571.